The following is an entry in ClinVar:

ClinVar aggregate classification (germline): Uncertain significance. Review status: criteria provided, multiple submitters, no conflicts (2 of 4 stars). 3 submissions from 3 submitters: Uncertain significance (3). Last evaluated 2025-08-14.

Conditions:
Inborn genetic diseases. Identifiers: MedGen C0950123, MeSH D030342.
Knobloch syndrome (KNO). Also called: RETINAL DETACHMENT AND OCCIPITAL ENCEPHALOCELE; Myopia retinal detachment encephalocele. Identifiers: Orphanet 1571, MedGen C1849409, MONDO:0800166.

Allele frequency attached by ClinVar (database versions not stated): gnomAD 0.00006 and 0.00004; 1000 Genomes Project 30x 0.00016; 1000 Genomes Project 0.00020; gnomAD exomes 0.00001; ExAC 0.00005; TOPMed 0.00005.
gnomAD v4.1: 19 of 1,564,088 alleles (0.0012%); highest among the groups gnomAD compares: African/African-American, 0.022%; 1 homozygote.

Submissions (3):

Ambry Genetics
Classification: Uncertain significance for Inborn genetic diseases. Last evaluated: 2025-08-14. Review status: criteria provided, single submitter. Criteria: Ambry Variant Classification Scheme 2023. Collection method: clinical testing. Allele origin: germline.

Labcorp Genetics (formerly Invitae), Labcorp
Classification: Uncertain significance. Last evaluated: 2023-02-04. Review status: criteria provided, single submitter. Criteria: Invitae Variant Classification Sherloc (09022015). Collection method: clinical testing. Allele origin: germline.
Comment: This sequence change replaces proline, which is neutral and non-polar, with serine, which is neutral and polar, at codon 878 of the COL18A1 protein (p.Pro878Ser). This variant is present in population databases (rs377290522, gnomAD 0.01%). This variant has not been reported in the literature in individuals affected with COL18A1-related conditions. ClinVar contains an entry for this variant (Variation ID: 340252). Experimental studies and prediction algorithms are not available or were not evaluated, and the functional significance of this variant is currently unknown. In summary, the available evidence is currently insufficient to determine the role of this variant in disease. Therefore, it has been classified as a Variant of Uncertain Significance.

Illumina Laboratory Services, Illumina
Classification: Uncertain significance for Knobloch syndrome 1. Last evaluated: 2018-01-13. Review status: criteria provided, single submitter. Criteria: ICSL Variant Classification Criteria 13 December 2019. Collection method: clinical testing. Allele origin: germline.

NM_001379500.1(COL18A1):c.2632C>T (p.Pro878Ser)

Gene: COL18A1 (collagen type XVIII alpha 1 chain; plus strand). Cytogenetic location: 21q22.3.
Variant type: single nucleotide variant.
Coding change: c.2632C>T on transcript NM_001379500.1 (MANE Select); coding-DNA position 2632, C replaced by T.
Protein change: p.Pro878Ser; replaces proline 878 with serine.
Molecular consequence: missense variant.
Genome position (GRCh38, 1-based): chr21:45,497,610, C>T. VCF-style: chr21-45497610-C-T. GRCh37 (hg19) VCF-style: chr21-46917524-C-T.
Other names: NM_130445.2:c.2632C>T; c.3172C>T, p.Pro1058Ser (NM_030582.4); c.3877C>T, p.Pro1293Ser (NM_130444.3); short protein forms P1058S, P1293S.
Identifiers: ClinVar variation 340252 (VCV000340252.9), dbSNP rs377290522, ClinGen allele CA10067251.